The following is an entry in ClinVar:

NM_005045.4(RELN):c.77C>T (p.Ala26Val)

Gene: RELN (reelin; minus strand). Cytogenetic location: 7q22.1.
Variant type: single nucleotide variant.
Coding change: c.77C>T on transcript NM_005045.4 (MANE Select); coding-DNA position 77, C replaced by T.
Protein change: p.Ala26Val; replaces alanine 26 with valine.
Molecular consequence: missense variant.
Genome position (GRCh38, 1-based): chr7:103,989,280, G>A on the plus strand (C>T on the coding strand, the complement: RELN is on the minus strand). VCF-style: chr7-103989280-G-A. GRCh37 (hg19) VCF-style: chr7-103629727-G-A.
Other names: c.77C>T, p.Ala26Val (NM_173054.3); short protein forms A26V.
Identifiers: ClinVar variation 193299 (VCV000193299.48), dbSNP rs144557847, ClinGen allele CA238806.

ClinVar aggregate classification (germline): Conflicting classifications of pathogenicity. Review status: criteria provided, conflicting classifications (1 of 4 stars). 8 submissions from 8 submitters: Uncertain significance (1); Benign (1); Likely benign (5). 1 of the submissions does not count toward it. Last evaluated 2025-12-01.

Conditions:
RELN-related disorder. Also called: RELN-related condition.
Norman-Roberts syndrome (LIS2). Also called: Lissencephaly 2 (Norman-Roberts type). Identifiers: Orphanet 89844, MedGen C0796089, MONDO:0009760, OMIM 257320.
Familial temporal lobe epilepsy 7. Identifiers: Orphanet 101046, MedGen C4225327, MONDO:0014639, OMIM 616436.

Allele frequency attached by ClinVar (database versions not stated): gnomAD exomes 0.00016 and 0.00034; ExAC 0.00051; 1000 Genomes Project 30x 0.00141; gnomAD 0.00143 and 0.00154; ESP Exome Variant Server 0.00146; TOPMed 0.00150; 1000 Genomes Project 0.00180.
gnomAD v4.1: 466 of 1,613,098 alleles (0.029%); highest among the groups gnomAD compares: African/African-American, 0.54%; 1 homozygote.

Submissions (8):

Labcorp Genetics (formerly Invitae), Labcorp
Classification: Likely benign for Familial temporal lobe epilepsy 7; Norman-Roberts syndrome. Last evaluated: 2025-12-01. Review status: criteria provided, single submitter. Criteria: Invitae Variant Classification Sherloc (09022015). Collection method: clinical testing. Allele origin: germline.

Blueprint Genetics
Classification: Likely benign. Last evaluated: 2024-07-06. Review status: criteria provided, single submitter. Criteria: ACMG Guidelines, 2015. Collection method: clinical testing. Allele origin: germline.

CeGaT Center for Human Genetics Tuebingen
Classification: Likely benign. Last evaluated: 2024-04-01. Review status: criteria provided, single submitter. Criteria: CeGaT Center For Human Genetics Tuebingen Variant Classification Criteria Version 2. Collection method: clinical testing. Allele origin: germline. Affected: yes. Observed: 2 variant alleles.
Comment: RELN: BS1

GeneDx
Classification: Likely benign. Last evaluated: 2020-09-10. Review status: criteria provided, single submitter. Criteria: GeneDx Variant Classification Process June 2021. Collection method: clinical testing. Allele origin: germline. Affected: yes.

Athena Diagnostics
Classification: Benign. Last evaluated: 2018-11-23. Review status: criteria provided, single submitter. Criteria: Athena Diagnostics Criteria. Collection method: clinical testing. Allele origin: germline.

Eurofins Ntd Llc (ga)
Classification: Likely benign. Last evaluated: 2017-02-22. Review status: criteria provided, single submitter. Criteria: EGL Classification Definitions 2015. Collection method: clinical testing. Allele origin: germline. Observed: 3 variant alleles, 3 heterozygotes.

Genetic Services Laboratory, University of Chicago
Classification: Uncertain significance. Last evaluated: 2015-12-31. Review status: criteria provided, single submitter. Criteria: ACMG Guidelines, 2015. Collection method: clinical testing. Allele origin: germline. Affected: no.

PreventionGenetics, part of Exact Sciences
Classification: Likely benign for RELN-related condition. Last evaluated: 2022-04-18. Review status: no assertion criteria provided. Collection method: clinical testing. Allele origin: germline. Not counted in ClinVar's aggregate classification.
Comment: This variant is classified as likely benign based on ACMG/AMP sequence variant interpretation guidelines (Richards et al. 2015 PMID: 25741868, with internal and published modifications).